The following is an entry in ClinVar:

NM_003680.4(YARS1):c.749G>A (p.Cys250Tyr)

Genes: YARS1 (tyrosyl-tRNA synthetase 1; minus strand), LOC126805688 (BRD4-independent group 4 enhancer GRCh37_chr1:33251929-33253128; plus strand). Cytogenetic location: 1p35.1.
Variant type: single nucleotide variant.
Coding change: c.749G>A on transcript NM_003680.4 (MANE Select); coding-DNA position 749, G replaced by A.
Protein change: p.Cys250Tyr; replaces cysteine 250 with tyrosine.
Molecular consequence: missense variant.
Genome position (GRCh38, 1-based): chr1:32,787,011, C>T on the plus strand (G>A on the coding strand, the complement: YARS1 is on the minus strand). VCF-style: chr1-32787011-C-T. GRCh37 (hg19) VCF-style: chr1-33252612-C-T.
Other names: short protein forms C250Y.
Identifiers: ClinVar variation 2804480 (VCV002804480.3), dbSNP rs776703606, ClinGen allele CA20279286.
Genomic context (GRCh38, chr1:32,787,011, plus strand): 5'-GGAAAAAGGACATGCTTGATGAAGGACAGAACCCCATTGTTCTCCACATTTCCTGGCTCA[C>T]AGAAGGCCTTCTTCAGTTTTTTCTTCACATCCTCCTTCCGATCAAGGAGATCAATCTTGG-3'
Protein context (NP_003671.1, residues 240-260): DVKKKLKKAF[Cys250Tyr]EPGNVENNGV

ClinVar aggregate classification (germline): Uncertain significance (1 of 4 stars; one submission).

Conditions:
Charcot-Marie-Tooth disease dominant intermediate C (CMTDIC). Also called: CHARCOT-MARIE-TOOTH NEUROPATHY, DOMINANT INTERMEDIATE C. Identifiers: Orphanet 100045, MedGen C1842237, MONDO:0012012, OMIM 608323.

Allele frequency attached by ClinVar (database versions not stated): gnomAD exomes below 0.00001.
gnomAD v4.1: 5 of 1,614,094 alleles (0.00031%); highest among the groups gnomAD compares: African/African-American, 0.0027%; no homozygotes.

Submission:

Labcorp Genetics (formerly Invitae), Labcorp
Classification: Uncertain significance for Charcot-Marie-Tooth disease dominant intermediate C. Last evaluated: 2024-01-03. Review status: criteria provided, single submitter. Criteria: Invitae Variant Classification Sherloc (09022015). Collection method: clinical testing. Allele origin: germline.
Comment: This sequence change replaces cysteine, which is neutral and slightly polar, with tyrosine, which is neutral and polar, at codon 250 of the YARS protein (p.Cys250Tyr). This variant is not present in population databases (gnomAD no frequency). This variant has not been reported in the literature in individuals affected with YARS-related conditions. Advanced modeling of protein sequence and biophysical properties (such as structural, functional, and spatial information, amino acid conservation, physicochemical variation, residue mobility, and thermodynamic stability) performed at Invitae indicates that this missense variant is expected to disrupt YARS protein function with a positive predictive value of 80%. In summary, the available evidence is currently insufficient to determine the role of this variant in disease. Therefore, it has been classified as a Variant of Uncertain Significance.